The following is an entry in ClinVar:

NR_003051.4(RMRP):n.129G>A

Gene: RMRP (RNA component of mitochondrial RNA processing endoribonuclease; minus strand). Cytogenetic location: 9p13.3.
Variant type: single nucleotide variant.
Genome position: GRCh38 VCF-style: chr9-35657891-C-T. GRCh37 (hg19) VCF-style: chr9-35657888-C-T.
Identifiers: ClinVar variation 1067429 (VCV001067429.9), dbSNP rs74810894, ClinGen allele CA192745613.

ClinVar aggregate classification (germline): Pathogenic/Likely pathogenic. Review status: criteria provided, multiple submitters, no conflicts (2 of 4 stars). 3 submissions from 3 submitters: Pathogenic (1); Likely pathogenic (2). Last evaluated 2025-03-20.

Conditions:
Anauxetic dysplasia. Identifiers: Orphanet 93347, MedGen C1846796, MONDO:0011773.
Anauxetic dysplasia 1 (ANXD1). Also called: Anauxetic Dysplasia (AD). Identifiers: Orphanet 93347, MedGen C4551965, MONDO:0054560, OMIM 607095.
Metaphyseal chondrodysplasia, McKusick type (CHH). Also called: Cartilage-hair hypoplasia; Cartilage-Hair Hypoplasia (CHH). Identifiers: Orphanet 175, MedGen C0220748, MONDO:0009595, OMIM 250250.
Metaphyseal dysplasia without hypotrichosis. Also called: CARTILAGE-HAIR HYPOPLASIA VARIANT, SKELETAL MANIFESTATIONS ONLY; CARTILAGE-HAIR HYPOPLASIA-LIKE SKELETAL DYSPLASIA WITHOUT HYPOTRICHOSIS OR IMMUNODEFICIENCY; Metaphyseal Dysplasia without Hypotrichosis (MDWH). Identifiers: MedGen C1834821, MONDO:0009601, OMIM 250460.

gnomAD v4.1: 11 of 700,434 alleles (0.0016%); highest among the groups gnomAD compares: African/African-American, 0.0052%; no homozygotes.

Submissions (3):

Labcorp Genetics (formerly Invitae), Labcorp
Classification: Pathogenic for Anauxetic dysplasia. Last evaluated: 2025-03-20. Review status: criteria provided, single submitter. Criteria: Invitae Variant Classification Sherloc (09022015). Collection method: clinical testing. Allele origin: germline.
Comment: This variant occurs in the RMRP gene, which encodes an RNA molecule that does not result in a protein product. This variant is not present in population databases (gnomAD no frequency). This variant has been observed in individual(s) with cartilage-hair hypoplasia (PMID: 16244706). In at least one individual the variant was observed to be de novo. ClinVar contains an entry for this variant (Variation ID: 1067429). Experimental studies and prediction algorithms are not available or were not evaluated, and the functional significance of this variant is currently unknown. For these reasons, this variant has been classified as Pathogenic.

3billion
Classification: Likely pathogenic for Anauxetic dysplasia 1. Last evaluated: 2024-03-14. Review status: criteria provided, single submitter. Criteria: ACMG Guidelines, 2015. Collection method: clinical testing. Allele origin: germline. Affected: yes.
Comment: The variant is not observed in the gnomAD v2.1.1 dataset. Predicted Consequence/Location: non_coding_transcript_exon_variant The variant has been previously reported as assumed (i.e. paternity and maternity not confirmed) de novo in at least one similarly affected unrelated individual (PMID: 16244706). The variant has been reported at least twice as pathogenic without evidence for the classification (ClinVar ID: VCV001067429 /PMID: 16244706). Therefore, this variant is classified as Likely pathogenic according to the recommendation of ACMG/AMP guideline.

Fulgent Genetics
Classification: Likely pathogenic for Metaphyseal chondrodysplasia, McKusick type; Metaphyseal dysplasia without hypotrichosis; Anauxetic dysplasia 1. Last evaluated: 2022-03-20. Review status: criteria provided, single submitter. Criteria: ACMG Guidelines, 2015. Collection method: clinical testing. Allele origin: unknown.

Literature cited by the submitters: PubMed 16244706 (cited by Labcorp Genetics (formerly Invitae), Labcorp and 3billion).